The following is an entry in ClinVar:

ClinVar aggregate classification (germline): Pathogenic/Likely pathogenic. Review status: criteria provided, multiple submitters, no conflicts (2 of 4 stars). 14 submissions from 14 submitters: Pathogenic (10); Likely pathogenic (1). 2 of the submissions do not count toward it. Last evaluated 2026-09-01.

Conditions:
LDB3-related disorder. Also called: LDB3-related condition.
Cardiovascular phenotype. Identifiers: MedGen CN230736.
Neuromuscular disease. Also called: Neuromuscular disorder; Neuromyopathy. Identifiers: Orphanet 68381, MedGen C0027868, MeSH D009468, MONDO:0019056.
Myofibrillar myopathy. Identifiers: Orphanet 593, MedGen C2678065, MONDO:0018943, HP:0003715.
Cardiomyopathy (CMYO). Also called: Cardiomyopathies. Identifiers: Orphanet 167848, MedGen C0878544, MONDO:0004994, HP:0001638. Inheritance: Various modes of inheritance.
Dilated cardiomyopathy 1C (CMD1C). Also called: CARDIOMYOPATHY, DILATED, 1C, WITH OR WITHOUT LEFT VENTRICULAR NONCOMPACTION; Cardiomyopathy, dilated, 1C, with or without LVNC. Identifiers: Orphanet 154, Orphanet 54260, MedGen C1832244, MONDO:0011094, OMIM 601493.
Myofibrillar myopathy 4. Also called: Zaspopathy (type). Identifiers: Orphanet 98912, MedGen C4721886, MONDO:0012277, OMIM 609452.

Allele frequency attached by ClinVar (database versions not stated): ExAC 0.00001; gnomAD exomes below 0.00001.

Submissions 1 to 9 of 13:

CeGaT Center for Human Genetics Tuebingen
Classification: Pathogenic. Last evaluated: 2026-09-01. Review status: criteria provided, single submitter. Criteria: CeGaT Center For Human Genetics Tuebingen Variant Classification Criteria Version 2. Collection method: clinical testing. Allele origin: germline. Affected: yes. Observed: 10 variant alleles.
Comment: LDB3: PP1:Strong, PM2, PS4:Moderate, PP3, PS3:Supporting

Labcorp Genetics (formerly Invitae), Labcorp
Classification: Pathogenic for Myofibrillar myopathy 4. Last evaluated: 2025-01-20. Review status: criteria provided, single submitter. Criteria: Invitae Variant Classification Sherloc (09022015). Collection method: clinical testing. Allele origin: germline.
Comment: This sequence change replaces alanine, which is neutral and non-polar, with valine, which is neutral and non-polar, at codon 165 of the LDB3 protein (p.Ala165Val). This variant is present in population databases (rs121908334, gnomAD 0.0009%). This missense change has been observed in individuals with myofibrillar myopathy (PMID: 15668942, 25208129). ClinVar contains an entry for this variant (Variation ID: 4728). An algorithm developed to predict the effect of missense changes on protein structure and function (PolyPhen-2) suggests that this variant¬¨‚Ä†is likely to be tolerated. Experimental studies have shown that this missense change affects LDB3 function (PMID: 24647531, 24668811). For these reasons, this variant has been classified as Pathogenic.

CHEO Genetics Diagnostic Laboratory, Children's Hospital of Eastern Ontario
Classification: Likely pathogenic for Cardiomyopathy. Last evaluated: 2024-09-24. Review status: criteria provided, single submitter. Criteria: ACMG Guidelines, 2015. Collection method: clinical testing. Allele origin: germline. Inheritance: Autosomal dominant inheritance. Study: Canadian Open Genetics Repository.
Comment: The c.690-4678C>T variant in LDB3 (also known as c.494C>T, p.Ala165Val with the alternate transcripts) is highly conserved. It was identified in 1/249596 (0.0004%) of alleles tested from presumed healthy individuals in the Genome Aggregation Database (gnomAD), and is considered to be a rare variant. It has been previously reported in multiple apparently unrelated individuals and families with myofibrillar myopathy, segregated with the disease, and has been reported to be a founder mutation (PMID; 15668942, 17337483, 25208129, and others). The majority of these affected individuals were not reported to have cardiomyopathy as a presenting or significant feature (reported using the alternate gene name ZASP, PMID 15668942, 17337483, 18765652, 27618136, doi: 10.17795/gct.34601, and others). Functional studies have shown conflicting results: one reported that this variant did not impact the binding between LDB3 and phosphoglucomutase 1, which is suspected to be the mechanism of development of DCM (PMID 19377068), and others showed that this variant disrupted the actin cytoskeleton of muscle cells, as well as the Ankrd2 binding (which creates the link between the sarcomere and the nucleus in skeletal muscle) (PMID 24668811, PMID 24647531). Further, heterozygous knock-in mice develop are found to develop myofibrillar myopathy, however, the cardiac muscle fibers of these mice showed normal histology (PMID 33742095). The p.Ala165 variant is present in exon 6 of alternate transcripts for LDB3; immunostaining of skeletal and cardiac muscle in mice with a knockout-validated LDB3 exon 6 antibody detected LDB3 in the skeletal muscle but not the cardiac muscle, suggesting that isoforms containing exon 6 are not the predominant isoforms expressed in the cardiac muscle (PMID 33742095). In silico splicing analyses do not predict this variant to have a significant effect on splicing. However, this prediction has not been confirmed by RNA functional studies. This variant is listed in ClinVar (VCV000004728). Based on the above evidence, we classify this variant as likely pathogenic for myofibrillar myopathy, which, in rare cases, could also produce cardiomyopathy.

Blueprint Genetics
Classification: Pathogenic for LDB3-related disorders. Last evaluated: 2024-04-25. Review status: criteria provided, single submitter. Criteria: ACMG Guidelines, 2015. Collection method: clinical testing. Allele origin: germline. Affected: yes. Observed: 3 variant alleles.

Ambry Genetics
Classification: Pathogenic for Cardiovascular phenotype. Last evaluated: 2022-11-07. Review status: criteria provided, single submitter. Criteria: Ambry Variant Classification Scheme 2023. Collection method: clinical testing. Allele origin: germline.
Comment: The c.690-4678C>T intronic pathogenic mutation results from a C to T substitution 4678 nucleotides upstream from coding exon 5 in the LDB3 gene. This alteration, also known as c.494C>T p.A165V in isoform NM_001080116, has been detected in multiple individuals with myofibrillar myopathy and has been reported to segregate with disease (Selcen D et al. Ann. Neurol., 2005 Feb;57:269-76; Griggs R et al. Brain, 2007 Jun;130:1477-84; Oliv&eacute; M et al. Neuromuscul. Disord., 2011 Aug;21:533-42; Semmler AL et al. Orphanet J Rare Dis, 2014 Aug;9:121; Vincent AE et al. Neuromuscul. Disord., 2016 10;26:691-701). Haplotype analysis has demonstrated that this variant is a European founder mutation (Griggs R et al. Brain, 2007 Jun;130:1477-84). Functional analyses indicate that this alteration may impact protein function, but the physiological relevance of the observed impacts is unclear (Lin X et al. J. Biol. Chem., 2014 May;289:13615-26). This variant is considered to be rare based on population cohorts in the Genome Aggregation Database (gnomAD). Based on the supporting evidence, this alteration is interpreted as a disease-causing mutation.

Revvity Omics, Revvity
Classification: Pathogenic. Last evaluated: 2022-07-11. Review status: criteria provided, single submitter. Criteria: ACMG Guidelines, 2015. Collection method: clinical testing. Allele origin: germline.

GeneDx
Classification: Pathogenic. Last evaluated: 2022-06-29. Review status: criteria provided, single submitter. Criteria: GeneDx Variant Classification Process June 2021. Collection method: clinical testing. Allele origin: germline. Affected: yes.
Comment: Published functional studies demonstrate a damaging effect: Z-disc disruption and F-actin accumulation in mouse skeletal muscle, and disruption in the actin cytoskeleton in muscle cells (Lin et al., 2014); Not observed at significant frequency in large population cohorts (gnomAD); In silico analysis supports that this missense variant does not alter protein structure/function; This variant is associated with the following publications: (PMID: 28269794, 19377068, 27546599, 27618136, 25208129, 27638134, 18765652, 15668942, 33742095, 31791368, 21676617, 32419263, 31589614, 17337483, 24668811)

Mendelics
Classification: Pathogenic for Dilated cardiomyopathy 1C. Last evaluated: 2022-05-04. Review status: criteria provided, single submitter. Criteria: Mendelics Assertion Criteria 2019. Collection method: clinical testing. Allele origin: germline.

Illumina Laboratory Services, Illumina
Classification: Pathogenic for Myofibrillar myopathy 4. Last evaluated: 2021-04-07. Review status: criteria provided, single submitter. Criteria: ICSLVariantClassificationCriteria RUGD 01 April 2020. Collection method: clinical testing. Allele origin: unknown.
Comment: The LDB3 c.494C>T (p.Ala165Val) variant, also referred to as c.690-4678C>T, is a missense variant that has been reported in at least seven unrelated individuals with myofibrillar myopathy presenting with progressive muscle weakness, mainly distally, and myopathic motor unit potentials noted through electromyography. Muscle atrophy, tripping episodes, walking difficulty, peripheral neuropathy, decreased reflexes in the legs, tingling and numbness in the feet, and ankle movement problems were also noted in some individuals (Selcen and Engler 2005; Griggs et al. 2007; Fischer et al. 2008; Semmler et al. 2014). Only one individual had cardiac problems presenting as prolonged QT (Selec and Engler 2005). The p.Ala165Val variant segregated with disease in a large pedigree where six affected individuals carried the variant. Three additional family members who carried the variant were asymptomatic at the time of the study, but they ranged in age from 39-49 years (Griggs et al. 2007). In functional studies using a mouse model or cells derived from mice, the phenotype observed in humans was recapitulated when the p.Ala165Val variant was present in a heterozygous state. This included presence of muscle weakness, characteristic muscle fiber structural abnormalities, protein aggregation patterns, and Z-disc disruption generally observed in myofibrillar myopathy (Lin et al. 2014; Pathak et al. 2014). The p.Ala165Val variant is reported at a frequency of 0.000009 in the European (non-Finnish) population of the Genome Aggregation Database, but this is based on one allele in a region of good sequence coverage, so the variant is presumed to be rare. Based on the collective evidence, the p.Ala165Val variant is classified as pathogenic for myofibrillar myopathy.

NM_001368067.1(LDB3):c.494C>T (p.Ala165Val)

Genes: LDB3 (LIM domain binding 3; plus strand), LOC110121486 (VISTA enhancer hs2143; plus strand). Cytogenetic location: 10q23.2.
Variant type: single nucleotide variant.
Coding change: c.494C>T on transcript NM_001368067.1 (MANE Plus Clinical); coding-DNA position 494, C replaced by T.
Protein change: p.Ala165Val; replaces alanine 165 with valine.
Molecular consequence: missense variant. On other transcripts: intron variant (5).
Genome position (GRCh38, 1-based): chr10:86,687,218, C>T. VCF-style: chr10-86687218-C-T. GRCh37 (hg19) VCF-style: chr10-88446975-C-T.
Other names: c.494C>T, p.Ala165Val (NM_001080116.1, NM_001080114.2, NM_001368066.1 and 1 more transcripts); c.839C>T, p.Ala280Val (NM_001171610.2, NM_001171611.2); c.690-4678C>T (NM_001368064.1, NM_001368063.1, NM_007078.3 and 2 more transcripts); short protein forms A165V, A280V.
Identifiers: ClinVar variation 4728 (VCV000004728.70), dbSNP rs121908334, ClinGen allele CA253258.
Genomic context (GRCh38, chr10:86,687,218, plus strand): 5'-GCAAGGCCACCATCATCCATGCGCAGTACAACACGCCCATCAGCATGTATTCCCAGGATG[C>T]CATCATGGATGCCATCGCTGGGCAGGCCCAAGCCCAAGGCAGTGACTTCAGTGGGTAAGC-3'
Protein context (NP_001354996.1, residues 155-175): NTPISMYSQD[Ala165Val]IMDAIAGQAQ